The following is an entry in ClinVar:

ClinVar aggregate classification (germline): Uncertain significance. Review status: criteria provided, multiple submitters, no conflicts (2 of 4 stars). 2 submissions from 2 submitters: Uncertain significance (2). Last evaluated 2025-06-18.

Conditions:
Inborn genetic diseases. Identifiers: MedGen C0950123, MeSH D030342.

Allele frequency attached by ClinVar (database versions not stated): gnomAD 0.00001 and 0.00002; gnomAD exomes 0.00001 and 0.00003; TOPMed 0.00001.
gnomAD v4.1: 40 of 1,613,824 alleles (0.0025%); highest among the groups gnomAD compares: Non-Finnish European, 0.0032%; no homozygotes.

Submissions (2):

Ambry Genetics
Classification: Uncertain significance for Inborn genetic diseases. Last evaluated: 2025-06-18. Review status: criteria provided, single submitter. Criteria: Ambry Variant Classification Scheme 2023. Collection method: clinical testing. Allele origin: germline.

Labcorp Genetics (formerly Invitae), Labcorp
Classification: Uncertain significance. Last evaluated: 2024-04-10. Review status: criteria provided, single submitter. Criteria: Invitae Variant Classification Sherloc (09022015). Collection method: clinical testing. Allele origin: germline.
Comment: This sequence change replaces serine, which is neutral and polar, with threonine, which is neutral and polar, at codon 2179 of the PCLO protein (p.Ser2179Thr). This variant is present in population databases (no rsID available, gnomAD 0.002%). This variant has not been reported in the literature in individuals affected with PCLO-related conditions. ClinVar contains an entry for this variant (Variation ID: 1346159). Experimental studies and prediction algorithms are not available or were not evaluated, and the functional significance of this variant is currently unknown. In summary, the available evidence is currently insufficient to determine the role of this variant in disease. Therefore, it has been classified as a Variant of Uncertain Significance.

NM_033026.6(PCLO):c.6535T>A (p.Ser2179Thr)

Gene: PCLO (piccolo presynaptic cytomatrix protein; minus strand). Cytogenetic location: 7q21.11.
Variant type: single nucleotide variant.
Coding change: c.6535T>A on transcript NM_033026.6 (MANE Select); coding-DNA position 6535, T replaced by A.
Protein change: p.Ser2179Thr; replaces serine 2179 with threonine.
Molecular consequence: missense variant.
Genome position (GRCh38, 1-based): chr7:82,954,418, A>T on the plus strand (T>A on the coding strand, the complement: PCLO is on the minus strand). VCF-style: chr7-82954418-A-T. GRCh37 (hg19) VCF-style: chr7-82583734-A-T.
Other names: c.6535T>A (NM_033026.5); c.6535T>A, p.Ser2179Thr (NM_014510.3); short protein forms S2179T.
Identifiers: ClinVar variation 1346159 (VCV001346159.9), dbSNP rs1354311214, ClinGen allele CA367919113.